The following is an entry in ClinVar:

NM_000553.6(WRN):c.3349A>T (p.Lys1117Ter)

Gene: WRN (WRN RecQ like helicase; plus strand). Cytogenetic location: 8p12.
Variant type: single nucleotide variant.
Coding change: c.3349A>T on transcript NM_000553.6 (MANE Select); coding-DNA position 3349, A replaced by T.
Protein change: p.Lys1117Ter; replaces lysine 1117 with a stop codon.
Molecular consequence: nonsense.
Genome position (GRCh38, 1-based): chr8:31,143,589, A>T. VCF-style: chr8-31143589-A-T. GRCh37 (hg19) VCF-style: chr8-31001105-A-T.
Other names: short protein forms K1117*.
Identifiers: ClinVar variation 4713437 (VCV004713437.1).
Genomic context (GRCh38, chr8:31,143,589, plus strand): 5'-CCTTTATATGTTTAAATGCAGTCTAACTTGGAGAAGTTATATTCTTATAAACCATGTGAT[A>T]AGATTTCTTCTGGGAGTAACATTTCTAAAAAAAGGTACAGAGTTCCATATTTCTATGTTC-3'

ClinVar aggregate classification (germline): Pathogenic (1 of 4 stars; one submission).

Conditions:
Werner syndrome (WRN). Identifiers: Orphanet 902, MedGen C0043119, MONDO:0010196, OMIM 277700.

Submission:

Labcorp Genetics (formerly Invitae), Labcorp
Classification: Pathogenic for Werner syndrome. Last evaluated: 2025-02-19. Review status: criteria provided, single submitter. Criteria: Invitae Variant Classification Sherloc (09022015). Collection method: clinical testing. Allele origin: germline.
Comment: This sequence change creates a premature translational stop signal (p.Lys1117*) in the WRN gene. It is expected to result in an absent or disrupted protein product. Loss-of-function variants in WRN are known to be pathogenic (PMID: 16673358). This variant is not present in population databases (gnomAD no frequency). This variant has not been reported in the literature in individuals affected with WRN-related conditions. Algorithms developed to predict the effect of sequence changes on RNA splicing suggest that this variant may disrupt the consensus splice site. For these reasons, this variant has been classified as Pathogenic.

Literature cited by the submitters: PubMed 16673358.